The following is an entry in ClinVar:

ClinVar aggregate classification (germline): Uncertain significance (1 of 4 stars; one submission).

Allele frequency attached by ClinVar (database versions not stated): TOPMed below 0.00001; ExAC 0.00001.
gnomAD v4.1: 2 of 1,613,968 alleles (0.00012%); highest among the groups gnomAD compares: East Asian, 0.0045%; no homozygotes.

Submission:

Ambry Genetics
Classification: Uncertain significance. Last evaluated: 2023-05-21. Review status: criteria provided, single submitter. Criteria: Ambry Variant Classification Scheme 2023. Collection method: clinical testing. Allele origin: germline.
Comment: The p.A356V variant (also known as c.1067C>T), located in coding exon 7 of the IDH1 gene, results from a C to T substitution at nucleotide position 1067. The alanine at codon 356 is replaced by valine, an amino acid with similar properties. This amino acid position is conserved. In addition, the in silico prediction for this alteration is inconclusive. Since supporting evidence is limited at this time, the clinical significance of this alteration remains unclear.

NM_005896.4(IDH1):c.1067C>T (p.Ala356Val)

Gene: IDH1 (isocitrate dehydrogenase (NADP(+)) 1; minus strand). Cytogenetic location: 2q34.
Variant type: single nucleotide variant.
Coding change: c.1067C>T on transcript NM_005896.4 (MANE Select); coding-DNA position 1067, C replaced by T.
Protein change: p.Ala356Val; replaces alanine 356 with valine.
Molecular consequence: missense variant.
Genome position (GRCh38, 1-based): chr2:208,239,158, G>A on the plus strand (C>T on the coding strand, the complement: IDH1 is on the minus strand). VCF-style: chr2-208239158-G-A. GRCh37 (hg19) VCF-style: chr2-209103882-G-A.
Other names: c.1067C>T, p.Ala356Val (NM_001282386.1, NM_001282387.1); short protein forms A356V.
Identifiers: ClinVar variation 2562462 (VCV002562462.2), dbSNP rs768596300, ClinGen allele CA2078824.